The following is an entry in ClinVar:

ClinVar aggregate classification (germline): Benign. Review status: criteria provided, multiple submitters, no conflicts (2 of 4 stars). 6 submissions from 6 submitters: Benign (6). Last evaluated 2026-02-03.

Conditions:
Developmental and epileptic encephalopathy, 36 (DEE36). Also called: ALG13-CDG; Epileptic encephalopathy, early infantile, 36; Congenital disorder of glycosylation, type Is. Identifiers: Orphanet 324422, MedGen C4317295, MONDO:0010472, OMIM 300884.
Inborn genetic diseases. Identifiers: MedGen C0950123, MeSH D030342.

Allele frequency attached by ClinVar (database versions not stated): gnomAD exomes 0.07420; ExAC 0.13096; gnomAD 0.24522 and 0.26139; 1000 Genomes Project 0.26596; ESP Exome Variant Server 0.27201; 1000 Genomes Project 30x 0.27825; TOPMed 0.28060.
gnomAD v4.1: 58,633 of 1,124,822 alleles (5.2%); highest among the groups gnomAD compares: African/African-American, 85%; 15,526 homozygotes.

Submissions (6):

Labcorp Genetics (formerly Invitae), Labcorp
Classification: Benign for Developmental and epileptic encephalopathy, 36. Last evaluated: 2026-02-03. Review status: criteria provided, single submitter. Criteria: Invitae Variant Classification Sherloc (09022015). Collection method: clinical testing. Allele origin: germline.

Genome-Nilou Lab
Classification: Benign for Developmental and epileptic encephalopathy, 36. Last evaluated: 2021-12-05. Review status: criteria provided, single submitter. Criteria: ACMG Guidelines, 2015. Collection method: clinical testing. Allele origin: germline. Affected: no.

Mayo Clinic Laboratories, Mayo Clinic
Classification: Benign. Last evaluated: 2019-02-28. Review status: criteria provided, single submitter. Criteria: ACMG Guidelines, 2015. Collection method: clinical testing. Allele origin: germline. Observed: 88 variant alleles.

Ambry Genetics
Classification: Benign for Inborn genetic diseases. Last evaluated: 2016-03-13. Review status: criteria provided, single submitter. Criteria: Ambry Variant Classification Scheme 2023. Collection method: clinical testing. Allele origin: germline.

GeneDx
Classification: Benign. Last evaluated: 2015-12-10. Review status: criteria provided, single submitter. Criteria: GeneDx Variant Classification (06012015). Collection method: clinical testing. Allele origin: germline. Affected: yes.
Comment: This variant is considered likely benign or benign based on one or more of the following criteria: it is a conservative change, it occurs at a poorly conserved position in the protein, it is predicted to be benign by multiple in silico algorithms, and/or has population frequency not consistent with disease.

Breakthrough Genomics
Classification: Benign. Review status: criteria provided, single submitter. Criteria: ACMG Guidelines, 2015. Collection method: not provided. Allele origin: germline. Inheritance: X-linked inheritance. Affected: yes.

NM_001099922.3(ALG13):c.1435+5A>T

Gene: ALG13 (ALG13 UDP-N-acetylglucosaminyltransferase subunit; plus strand). Cytogenetic location: Xq23.
Variant type: single nucleotide variant.
Coding change: c.1435+5A>T on transcript NM_001099922.3 (MANE Select); 5 bases into the intron after coding-DNA position 1435, A replaced by T.
Molecular consequence: intron variant.
Genome position (GRCh38, 1-based): chrX:111,721,716, A>T. VCF-style: chrX-111721716-A-T. GRCh37 (hg19) VCF-style: chrX-110964944-A-T.
Other names: c.1123+5A>T (NM_001257237.2, NM_001257234.2, NM_001257230.2); c.1014+1546A>T (NM_001324293.1); c.1201+5A>T (NM_001257231.2); c.1435+5A>T (NM_001324292.2).
Identifiers: ClinVar variation 380440 (VCV000380440.17), dbSNP rs5985638, ClinGen allele CA10493710.